The following is an entry in ClinVar:

NM_024529.5(CDC73):c.-2A>C

Gene: CDC73 (cell division cycle 73; plus strand). Cytogenetic location: 1q31.2.
Variant type: single nucleotide variant.
Coding change: c.-2A>C on transcript NM_024529.5 (MANE Select); 2 bases upstream of the start codon, A replaced by C.
Molecular consequence: 5 prime UTR variant.
Genome position (GRCh38, 1-based): chr1:193,122,199, A>C. VCF-style: chr1-193122199-A-C. GRCh37 (hg19) VCF-style: chr1-193091329-A-C.
Identifiers: ClinVar variation 4827874 (VCV004827874.1).

ClinVar aggregate classification (germline): Uncertain significance (1 of 4 stars; one submission).

Conditions:
Hereditary cancer-predisposing syndrome. Also called: Neoplastic Syndromes, Hereditary; Tumor predisposition; Hereditary Cancer Syndrome; Hereditary neoplastic syndrome. Identifiers: Orphanet 140162, MedGen C0027672, MeSH D009386, MONDO:0015356.

Submission:

Ambry Genetics
Classification: Uncertain significance for Hereditary cancer-predisposing syndrome. Last evaluated: 2026-02-24. Review status: criteria provided, single submitter. Criteria: Ambry Variant Classification Scheme 2023. Collection method: clinical testing. Allele origin: germline.
Comment: The c.-2A>C variant is located in the 5' untranslated region (5&rsquo; UTR) of the CDC73 gene. This variant results from an A to C substitution 2 bases upstream from the first translated codon. This nucleotide position is highly conserved in available vertebrate species. Based on the available evidence, the clinical significance of this variant remains unclear.